The following is an entry in ClinVar:

ClinVar aggregate classification (germline): Uncertain significance (1 of 4 stars; one submission).

Conditions:
Hereditary cancer-predisposing syndrome. Also called: Tumor predisposition; Neoplastic Syndromes, Hereditary; Hereditary neoplastic syndrome; Hereditary Cancer Syndrome. Identifiers: Orphanet 140162, MedGen C0027672, MeSH D009386, MONDO:0015356.

Submission:

Ambry Genetics
Classification: Uncertain significance for Hereditary cancer-predisposing syndrome. Last evaluated: 2025-08-27. Review status: criteria provided, single submitter. Criteria: Ambry Variant Classification Scheme 2023. Collection method: clinical testing. Allele origin: germline.
Comment: The p.L476M variant (also known as c.1426C>A), located in coding exon 14 of the MUTYH gene, results from a C to A substitution at nucleotide position 1426. The leucine at codon 476 is replaced by methionine, an amino acid with highly similar properties. This amino acid position is conserved. In addition, the in silico prediction for this alteration is inconclusive. Based on the available evidence, the clinical significance of this variant remains unclear.

NM_001048174.2(MUTYH):c.1342C>A (p.Leu448Met)

Gene: MUTYH (mutY DNA glycosylase; minus strand). Cytogenetic location: 1p34.1.
Variant type: single nucleotide variant.
Coding change: c.1342C>A on transcript NM_001048174.2 (MANE Select); coding-DNA position 1342, C replaced by A.
Protein change: p.Leu448Met; replaces leucine 448 with methionine.
Molecular consequence: missense variant. On other transcripts: non-coding transcript variant (7).
Genome position (GRCh38, 1-based): chr1:45,331,232, G>T on the plus strand (C>A on the coding strand, the complement: MUTYH is on the minus strand). VCF-style: chr1-45331232-G-T. GRCh37 (hg19) VCF-style: chr1-45796904-G-T.
Other names: c.1342C>A, p.Leu448Met (NM_001048171.2, NM_001048173.2, NM_001293195.2 and 6 more transcripts); c.1345C>A, p.Leu449Met (NM_001048172.2, NM_001407071.1, NM_001407078.1 and 1 more transcripts); c.1426C>A, p.Leu476Met (NM_001128425.2); c.1387C>A, p.Leu463Met (NM_001293190.2); c.1375C>A, p.Leu459Met (NM_001293191.2, NM_001407069.1, NM_001407077.1); c.1066C>A, p.Leu356Met (NM_001293192.2, NM_001293196.2, NM_001407091.1); c.997C>A, p.Leu333Met (NM_001350650.2, NM_001350651.2, NM_001407082.1); c.1258C>A, p.Leu420Met (NM_001407075.1); and 5 more; short protein forms L333M, L434M, L435M, L448M, L449M, L455M, L476M, L420M.
Identifiers: ClinVar variation 4113233 (VCV004113233.1).
Genomic context (GRCh38, chr1:45,331,232, plus strand): 5'-AAGGTAGTGCCTTTTTCATGGCGGTGGAAACAGCTGCGGTGTGAAATTCCTCCTGCGTCA[G>T]CCAGCGAGCACCTGGTGGTACGGTGGTCACTGGGGTCTGCCCTTCCAAGGCCAGCCCATA-3'
Protein context (NP_001041639.1, residues 438-458): VTTVPPGARW[Leu448Met]TQEEFHTAAV